The following is an entry in ClinVar:

ClinVar aggregate classification (germline): Pathogenic (1 of 4 stars; one submission).

Conditions:
Thrombocytopenia 1. Also called: THROMBOCYTOPENIA, X-LINKED, 1; X-Linked Thrombocytopenia (XLT); X-linked thrombocytopenia with normal platelets. Identifiers: Orphanet 268322, Orphanet 852, MedGen C1839163, MONDO:0010743, OMIM 313900.
Wiskott-Aldrich syndrome (WAS). Also called: ALDRICH SYNDROME; IMMUNODEFICIENCY 2; WISKOTT-ALDRICH SYNDROME 1; Wiskott-aldrich syndrome, somatic. Identifiers: Orphanet 906, MedGen C0043194, MONDO:0010518, OMIM 301000.
X-linked severe congenital neutropenia (SCNX). Identifiers: Orphanet 86788, MedGen C1845987, MONDO:0010294, OMIM 300299.

Submission:

Labcorp Genetics (formerly Invitae), Labcorp
Classification: Pathogenic for Wiskott-Aldrich syndrome; X-linked severe congenital neutropenia; Thrombocytopenia 1. Last evaluated: 2023-08-28. Review status: criteria provided, single submitter. Criteria: Invitae Variant Classification Sherloc (09022015). Collection method: clinical testing. Allele origin: germline.
Comment: This variant has not been reported in the literature in individuals affected with WAS-related conditions. This variant is not present in population databases (gnomAD no frequency). This sequence change creates a premature translational stop signal (p.Gln28*) in the WAS gene. It is expected to result in an absent or disrupted protein product. Loss-of-function variants in WAS are known to be pathogenic (PMID: 15284122). For these reasons, this variant has been classified as Pathogenic.

Literature cited by the submitters: PubMed 15284122.

NM_000377.3(WAS):c.82C>T (p.Gln28Ter)

Gene: WAS (WASP actin nucleation promoting factor; plus strand). Cytogenetic location: Xp11.23.
Variant type: single nucleotide variant.
Coding change: c.82C>T on transcript NM_000377.3 (MANE Select); coding-DNA position 82, C replaced by T.
Protein change: p.Gln28Ter; replaces glutamine 28 with a stop codon.
Molecular consequence: nonsense.
Genome position (GRCh38, 1-based): chrX:48,683,935, C>T. VCF-style: chrX-48683935-C-T. GRCh37 (hg19) VCF-style: chrX-48542324-C-T.
Other names: short protein forms Q28*.
Identifiers: ClinVar variation 2950185 (VCV002950185.3), dbSNP rs2519277606, ClinGen allele CA412865612.